The following is an entry in ClinVar:

ClinVar aggregate classification (germline): Uncertain significance (1 of 4 stars; one submission).

Submission:

Ambry Genetics
Classification: Uncertain significance. Last evaluated: 2024-09-30. Review status: criteria provided, single submitter. Criteria: Ambry Variant Classification Scheme 2023. Collection method: clinical testing. Allele origin: germline.
Comment: The p.K1025T variant (also known as c.3074A>C), located in coding exon 16 of the POLQ gene, results from an A to C substitution at nucleotide position 3074. The lysine at codon 1025 is replaced by threonine, an amino acid with similar properties. This amino acid position is conserved. In addition, this alteration is predicted to be tolerated by in silico analysis. Based on the available evidence, the clinical significance of this variant remains unclear.

NM_199420.4(POLQ):c.3074A>C (p.Lys1025Thr)

Gene: POLQ (DNA polymerase theta; minus strand). Cytogenetic location: 3q13.33.
Variant type: single nucleotide variant.
Coding change: c.3074A>C on transcript NM_199420.4 (MANE Select); coding-DNA position 3074, A replaced by C.
Protein change: p.Lys1025Thr; replaces lysine 1025 with threonine.
Molecular consequence: missense variant.
Genome position (GRCh38, 1-based): chr3:121,489,857, T>G on the plus strand (A>C on the coding strand, the complement: POLQ is on the minus strand). VCF-style: chr3-121489857-T-G. GRCh37 (hg19) VCF-style: chr3-121208704-T-G.
Other names: short protein forms K1025T.
Identifiers: ClinVar variation 3422573 (VCV003422573.1).
Genomic context (GRCh38, chr3:121,489,857, plus strand): 5'-CTACGTTTCCAAGATCGAAAACTTCTGCTCATCTTTTCTGAATTGAAATTCAAAGGTGCC[T>G]TTTTTGTTTTCTGTGAAAAAGTCTGAACAACTTTCTTATCACTTGTTTTCCCCTCATTCT-3'
Protein context (NP_955452.3, residues 1015-1035): VVQTFSQKTK[Lys1025Thr]APLNFNSEKM